The following is an entry in ClinVar:

ClinVar aggregate classification (germline): Uncertain significance (1 of 4 stars; one submission).

Conditions:
Fanconi anemia (FA). Also called: Fanconi's anemia. Identifiers: Orphanet 84, MedGen C0015625, MeSH D005199, MONDO:0019391.

gnomAD v4.1: 1 of 1,611,502 alleles (0.000062%); highest among the groups gnomAD compares: Non-Finnish European, 0.000085%; no homozygotes.

Submission:

Labcorp Genetics (formerly Invitae), Labcorp
Classification: Uncertain significance for Fanconi anemia. Last evaluated: 2024-03-09. Review status: criteria provided, single submitter. Criteria: Invitae Variant Classification Sherloc (09022015). Collection method: clinical testing. Allele origin: germline.
Comment: This sequence change replaces leucine, which is neutral and non-polar, with valine, which is neutral and non-polar, at codon 1450 of the FANCM protein (p.Leu1450Val). This variant is not present in population databases (gnomAD no frequency). This variant has not been reported in the literature in individuals affected with FANCM-related conditions. Algorithms developed to predict the effect of missense changes on protein structure and function output the following: SIFT: "Not Available"; PolyPhen-2: "Benign"; Align-GVGD: "Not Available". The valine amino acid residue is found in multiple mammalian species, which suggests that this missense change does not adversely affect protein function. In summary, the available evidence is currently insufficient to determine the role of this variant in disease. Therefore, it has been classified as a Variant of Uncertain Significance.

NM_020937.4(FANCM):c.4348C>G (p.Leu1450Val)

Gene: FANCM (FA complementation group M; plus strand). Cytogenetic location: 14q21.2.
Variant type: single nucleotide variant.
Coding change: c.4348C>G on transcript NM_020937.4 (MANE Select); coding-DNA position 4348, C replaced by G.
Protein change: p.Leu1450Val; replaces leucine 1450 with valine.
Molecular consequence: missense variant.
Genome position (GRCh38, 1-based): chr14:45,181,667, C>G. VCF-style: chr14-45181667-C-G. GRCh37 (hg19) VCF-style: chr14-45650870-C-G.
Other names: c.4270C>G, p.Leu1424Val (NM_001308133.2); short protein forms L1450V, L1424V.
Identifiers: ClinVar variation 3645149 (VCV003645149.2).